The following is an entry in ClinVar:

ClinVar aggregate classification (germline): Benign. Review status: criteria provided, single submitter (1 of 4 stars). 2 submissions from 1 submitter: Benign (2). Last evaluated 2018-01-12.

Conditions:
Congenital myasthenic syndrome (CMS). Also called: Congenital Myasthenic Syndromes. Identifiers: Orphanet 590, MedGen C0751882, MeSH D020294, MONDO:0018940.
Lethal multiple pterygium syndrome (LMPS). Identifiers: Orphanet 33108, MedGen C1854678, MONDO:0009668, OMIM 253290.

Allele frequency attached by ClinVar (database versions not stated): 1000 Genomes Project 0.00719; 1000 Genomes Project 30x 0.00750; TOPMed 0.01135; gnomAD exomes 0.01212 and 0.01672; gnomAD 0.01281 and 0.01306; ExAC 0.02066.
gnomAD v4.1: 15,342 of 957,258 alleles (1.6%); highest among the groups gnomAD compares: Non-Finnish European, 2%; 173 homozygotes.

Submissions (2):

Illumina Laboratory Services, Illumina
Classification: Benign for Congenital myasthenic syndrome. Last evaluated: 2018-01-12. Review status: criteria provided, single submitter. Criteria: ICSL Variant Classification Criteria 13 December 2019. Collection method: clinical testing. Allele origin: germline.
Comment: This variant was observed in the ICSL laboratory as part of a predisposition screen in an ostensibly healthy population. It had not been previously curated by ICSL or reported in the Human Gene Mutation Database (HGMD: prior to June 1st, 2018), and was therefore a candidate for classification through an automated scoring system. Utilizing variant allele frequency, disease prevalence and penetrance estimates, and inheritance mode, an automated score was calculated to assess if this variant is too frequent to cause the disease. Based on the score and internal cut-off values, a variant classified as benign is not then subjected to further curation. The score for this variant resulted in a classification of benign for this disease.

Illumina Laboratory Services, Illumina
Classification: Benign for Lethal multiple pterygium syndrome. Last evaluated: 2018-01-12. Review status: criteria provided, single submitter. Criteria: ICSL Variant Classification Criteria 13 December 2019. Collection method: clinical testing. Allele origin: germline.
Comment: the same text as in the submission from Illumina Laboratory Services, Illumina above.

NM_000751.3(CHRND):c.*149A>G

Gene: CHRND (cholinergic receptor nicotinic delta subunit; plus strand). Cytogenetic location: 2q37.1.
Variant type: single nucleotide variant.
Coding change: c.*149A>G on transcript NM_000751.3 (MANE Select); 149 bases downstream of the stop codon, A replaced by G.
Molecular consequence: 3 prime UTR variant.
Genome position (GRCh38, 1-based): chr2:232,535,461, A>G. VCF-style: chr2-232535461-A-G. GRCh37 (hg19) VCF-style: chr2-233400171-A-G.
Other names: c.*149A>G (NM_001256657.2, NM_001311195.2, NM_001311196.2).
Identifiers: ClinVar variation 334979 (VCV000334979.6), dbSNP rs114315112, ClinGen allele CA2168411.